The following is an entry in ClinVar:

ClinVar aggregate classification (germline): Uncertain significance (1 of 4 stars; one submission).

Conditions:
Hereditary cancer-predisposing syndrome. Also called: Hereditary Cancer Syndrome; Hereditary neoplastic syndrome; Neoplastic Syndromes, Hereditary; Tumor predisposition. Identifiers: Orphanet 140162, MedGen C0027672, MeSH D009386, MONDO:0015356.

Submission:

Ambry Genetics
Classification: Uncertain significance for Hereditary cancer-predisposing syndrome. Last evaluated: 2025-08-25. Review status: criteria provided, single submitter. Criteria: Ambry Variant Classification Scheme 2023. Collection method: clinical testing. Allele origin: germline.
Comment: The p.G649E variant (also known as c.1946G>A), located in coding exon 17 of the EGFR gene, results from a G to A substitution at nucleotide position 1946. The glycine at codon 649 is replaced by glutamic acid, an amino acid with similar properties. This amino acid position is conserved. In addition, this alteration is predicted to be deleterious by in silico analysis. Based on the available evidence, the clinical significance of this variant remains unclear.

NM_005228.5(EGFR):c.1946G>A (p.Gly649Glu)

Gene: EGFR (epidermal growth factor receptor; plus strand). Cytogenetic location: 7p11.2.
Variant type: single nucleotide variant.
Coding change: c.1946G>A on transcript NM_005228.5 (MANE Select); coding-DNA position 1946, G replaced by A.
Protein change: p.Gly649Glu; replaces glycine 649 with glutamic acid.
Molecular consequence: missense variant.
Genome position (GRCh38, 1-based): chr7:55,173,009, G>A. VCF-style: chr7-55173009-G-A. GRCh37 (hg19) VCF-style: chr7-55240702-G-A.
Other names: c.1811G>A, p.Gly604Glu (NM_001346897.2, NM_001346899.2); c.1946G>A, p.Gly649Glu (NM_001346898.2); c.1787G>A, p.Gly596Glu (NM_001346900.2); c.1145G>A, p.Gly382Glu (NM_001346941.2); short protein forms G596E, G649E, G382E, G604E.
Identifiers: ClinVar variation 4247359 (VCV004247359.1).